The following is an entry in ClinVar:

ClinVar aggregate classification (germline): Uncertain significance (1 of 4 stars; one submission).

Conditions:
Emery-Dreifuss muscular dystrophy 5, autosomal dominant (EDMD5). Also called: EMERY-DREIFUSS MUSCULAR DYSTROPHY 5. Identifiers: Orphanet 261, MedGen C2751805, MONDO:0013072, OMIM 612999.

Submission:

Labcorp Genetics (formerly Invitae), Labcorp
Classification: Uncertain significance for Emery-Dreifuss muscular dystrophy 5, autosomal dominant. Last evaluated: 2021-04-11. Review status: criteria provided, single submitter. Criteria: Invitae Variant Classification Sherloc (09022015). Collection method: clinical testing. Allele origin: germline.
Comment: In summary, the available evidence is currently insufficient to determine the role of this variant in disease. Therefore, it has been classified as a Variant of Uncertain Significance. Algorithms developed to predict the effect of missense changes on protein structure and function are either unavailable or do not agree on the potential impact of this missense change (SIFT: "Deleterious"; PolyPhen-2: "Probably Damaging"; Align-GVGD: "Class C0"). This variant has not been reported in the literature in individuals with SYNE2-related conditions. This variant is not present in population databases (ExAC no frequency). This sequence change replaces aspartic acid with tyrosine at codon 2331 of the SYNE2 protein (p.Asp2331Tyr). The aspartic acid residue is weakly conserved and there is a large physicochemical difference between aspartic acid and tyrosine.

NM_182914.3(SYNE2):c.6991G>T (p.Asp2331Tyr)

Gene: SYNE2 (spectrin repeat containing nuclear envelope protein 2; plus strand). Cytogenetic location: 14q23.2.
Variant type: single nucleotide variant.
Coding change: c.6991G>T on transcript NM_182914.3 (MANE Select); coding-DNA position 6991, G replaced by T.
Protein change: p.Asp2331Tyr; replaces aspartic acid 2331 with tyrosine.
Molecular consequence: missense variant.
Genome position (GRCh38, 1-based): chr14:64,031,127, G>T. VCF-style: chr14-64031127-G-T. GRCh37 (hg19) VCF-style: chr14-64497845-G-T.
Other names: c.6991G>T, p.Asp2331Tyr (NM_015180.6); short protein forms D2331Y.
Identifiers: ClinVar variation 1514089 (VCV001514089.8), dbSNP rs2153545498, ClinGen allele CA389952210.